The following is an entry in ClinVar:

ClinVar aggregate classification (germline): Likely benign (1 of 4 stars; one submission).

Conditions:
Autosomal dominant nonsyndromic hearing loss 25. Identifiers: Orphanet 90635, MedGen C1854158, MONDO:0011568, OMIM 605583.

Allele frequency attached by ClinVar (database versions not stated): TOPMed 0.00006; gnomAD 0.00009; 1000 Genomes Project 30x 0.00031; 1000 Genomes Project 0.00040.
gnomAD v4.1: 14 of 152,274 alleles (0.0092%); highest among the groups gnomAD compares: East Asian, 0.096%; no homozygotes.

Submission:

Illumina Laboratory Services, Illumina
Classification: Likely benign for Autosomal dominant nonsyndromic hearing loss 25. Last evaluated: 2018-01-13. Review status: criteria provided, single submitter. Criteria: ICSL Variant Classification Criteria 13 December 2019. Collection method: clinical testing. Allele origin: germline.
Comment: This variant was observed in the ICSL laboratory as part of a predisposition screen in an ostensibly healthy population. It had not been previously curated by ICSL or reported in the Human Gene Mutation Database (HGMD: prior to June 1st, 2018), and was therefore a candidate for classification through an automated scoring system. Utilizing variant allele frequency, disease prevalence and penetrance estimates, and inheritance mode, an automated score was calculated to assess if this variant is too frequent to cause the disease. Based on the score and internal cut-off values, a variant classified as likely benign is not then subjected to further curation. The score for this variant resulted in a classification of likely benign for this disease.

NM_139319.3(SLC17A8):c.*1839A>G

Gene: SLC17A8 (solute carrier family 17 member 8; plus strand). Cytogenetic location: 12q23.1.
Variant type: single nucleotide variant.
Coding change: c.*1839A>G on transcript NM_139319.3 (MANE Select); 1839 bases downstream of the stop codon, A replaced by G.
Molecular consequence: 3 prime UTR variant.
Genome position (GRCh38, 1-based): chr12:100,421,998, A>G. VCF-style: chr12-100421998-A-G. GRCh37 (hg19) VCF-style: chr12-100815776-A-G.
Other names: c.*1839A>G (NM_001145288.2).
Identifiers: ClinVar variation 884044 (VCV000884044.4), dbSNP rs372482024, ClinGen allele CA242337704.
Genomic context (GRCh38, chr12:100,421,998, plus strand): 5'-TTGGGGGACTTTCCAGTTGAAAAGAAAACATGCTATGTCATTTTTATCCATTATCCCTGG[A>G]ACTTATTGTGAAAGTTGTGCTGTTTTCTAAGTAAAATAAAAAATAAAAAATTAGCAATTT-3'